The following is an entry in ClinVar:

NM_006767.4(LZTR1):c.2176T>G (p.Tyr726Asp)

Gene: LZTR1 (leucine zipper like post translational regulator 1; plus strand). Cytogenetic location: 22q11.21.
Variant type: single nucleotide variant.
Coding change: c.2176T>G on transcript NM_006767.4 (MANE Select); coding-DNA position 2176, T replaced by G.
Protein change: p.Tyr726Asp; replaces tyrosine 726 with aspartic acid.
Molecular consequence: missense variant.
Genome position (GRCh38, 1-based): chr22:20,996,069, T>G. VCF-style: chr22-20996069-T-G. GRCh37 (hg19) VCF-style: chr22-21350358-T-G.
Other names: short protein forms Y726D.
Identifiers: ClinVar variation 1787191 (VCV001787191.3), dbSNP rs2518624648, ClinGen allele CA410779942.
Genomic context (GRCh38, chr22:20,996,069, plus strand): 5'-GTGAACATCTCCATCGGGGAGATGGTGCCCAGCAGGCAGGCCTTCGAGTCCATGCTGCGC[T>G]ACATCTACTACGGCGAGGTCAACATGCCGCCCGAGGACTCGCTGCATCCTCACTCCCCAG-3'
Protein context (NP_006758.2, residues 716-736): SRQAFESMLR[Tyr726Asp]IYYGEVNMPP

ClinVar aggregate classification (germline): Uncertain significance (1 of 4 stars; one submission).

Conditions:
Hereditary cancer-predisposing syndrome. Also called: Neoplastic Syndromes, Hereditary; Tumor predisposition; Hereditary Cancer Syndrome; Hereditary neoplastic syndrome. Identifiers: Orphanet 140162, MedGen C0027672, MeSH D009386, MONDO:0015356.
Cardiovascular phenotype. Identifiers: MedGen CN230736.

Submission:

Ambry Genetics
Classification: Uncertain significance for Cardiovascular phenotype; Hereditary cancer-predisposing syndrome. Last evaluated: 2025-05-21. Review status: criteria provided, single submitter. Criteria: Ambry Variant Classification Scheme 2023. Collection method: clinical testing. Allele origin: germline.
Comment: The p.Y726D variant (also known as c.2176T>G), located in coding exon 18 of the LZTR1 gene, results from a T to G substitution at nucleotide position 2176. The tyrosine at codon 726 is replaced by aspartic acid, an amino acid with highly dissimilar properties. This amino acid position is highly conserved in available vertebrate species. In addition, this alteration is predicted to be deleterious by in silico analysis. Based on the available evidence, the clinical significance of this variant remains unclear.